The following is an entry in ClinVar:

NM_000321.3(RB1):c.982A>C (p.Asn328His)

Gene: RB1 (RB transcriptional corepressor 1; plus strand). Cytogenetic location: 13q14.2.
Variant type: single nucleotide variant.
Coding change: c.982A>C on transcript NM_000321.3 (MANE Select); coding-DNA position 982, A replaced by C.
Protein change: p.Asn328His; replaces asparagine 328 with histidine.
Molecular consequence: missense variant.
Genome position (GRCh38, 1-based): chr13:48,367,536, A>C. VCF-style: chr13-48367536-A-C. GRCh37 (hg19) VCF-style: chr13-48941672-A-C.
Other names: c.982A>C, p.Asn328His (NM_001407165.1, NM_001407166.1); short protein forms N328H.
Identifiers: ClinVar variation 1768332 (VCV001768332.4), dbSNP rs1952716240, ClinGen allele CA388160709.

ClinVar aggregate classification (germline): Uncertain significance. Review status: criteria provided, multiple submitters, no conflicts (2 of 4 stars). 2 submissions from 2 submitters: Uncertain significance (2). Last evaluated 2024-07-21.

Conditions:
Hereditary cancer-predisposing syndrome. Also called: Hereditary Cancer Syndrome; Hereditary neoplastic syndrome; Neoplastic Syndromes, Hereditary; Tumor predisposition. Identifiers: Orphanet 140162, MedGen C0027672, MeSH D009386, MONDO:0015356.
Retinoblastoma (RB1). Also called: RETINOBLASTOMA, SOMATIC. Identifiers: Orphanet 790, MedGen C0035335, MeSH D012175, MONDO:0008380, OMIM 180200, HP:0009919. Disease mechanism: loss of function. Inheritance: Both sporadic and heritable forms are tested..

Allele frequency attached by ClinVar (database versions not stated): gnomAD exomes below 0.00001; gnomAD 0.00001.
gnomAD v4.1: 2 of 1,604,672 alleles (0.00012%); highest among the groups gnomAD compares: South Asian, 0.0022%; no homozygotes.

Submissions (2):

Labcorp Genetics (formerly Invitae), Labcorp
Classification: Uncertain significance for Retinoblastoma. Last evaluated: 2024-07-21. Review status: criteria provided, single submitter. Criteria: Invitae Variant Classification Sherloc (09022015). Collection method: clinical testing. Allele origin: germline.
Comment: This sequence change replaces asparagine, which is neutral and polar, with histidine, which is basic and polar, at codon 328 of the RB1 protein (p.Asn328His). This variant is not present in population databases (gnomAD no frequency). This variant has not been reported in the literature in individuals affected with RB1-related conditions. ClinVar contains an entry for this variant (Variation ID: 1768332). Advanced modeling of protein sequence and biophysical properties (such as structural, functional, and spatial information, amino acid conservation, physicochemical variation, residue mobility, and thermodynamic stability) performed at Invitae indicates that this missense variant is not expected to disrupt RB1 protein function with a negative predictive value of 80%. In summary, the available evidence is currently insufficient to determine the role of this variant in disease. Therefore, it has been classified as a Variant of Uncertain Significance.

Ambry Genetics
Classification: Uncertain significance for Hereditary cancer-predisposing syndrome. Last evaluated: 2022-10-03. Review status: criteria provided, single submitter. Criteria: Ambry Variant Classification Scheme 2023. Collection method: clinical testing. Allele origin: germline.
Comment: The p.N328H variant (also known as c.982A>C), located in coding exon 10 of the RB1 gene, results from an A to C substitution at nucleotide position 982. The asparagine at codon 328 is replaced by histidine, an amino acid with similar properties. This amino acid position is well conserved in available vertebrate species. In addition, this alteration is predicted to be tolerated by in silico analysis. Since supporting evidence is limited at this time, the clinical significance of this alteration remains unclear.